The following is an entry in ClinVar:

ClinVar aggregate classification (germline): Uncertain significance (1 of 4 stars; one submission).

Conditions:
Hereditary cancer-predisposing syndrome. Also called: Tumor predisposition; Neoplastic Syndromes, Hereditary; Hereditary neoplastic syndrome; Hereditary Cancer Syndrome. Identifiers: Orphanet 140162, MedGen C0027672, MeSH D009386, MONDO:0015356.

Submission:

Ambry Genetics
Classification: Uncertain significance for Hereditary cancer-predisposing syndrome. Last evaluated: 2025-08-27. Review status: criteria provided, single submitter. Criteria: Ambry Variant Classification Scheme 2023. Collection method: clinical testing. Allele origin: germline.
Comment: The p.G507C variant (also known as c.1519G>T) is located in coding exon 16 of the MUTYH gene. The glycine at codon 507 is replaced by cysteine, an amino acid with highly dissimilar properties. This change occurs in the first base pair of coding exon 16. This amino acid position is conserved. In addition, this alteration is predicted to be tolerated by in silico analysis. Based on the available evidence, the clinical significance of this variant remains unclear.

NM_001048174.2(MUTYH):c.1435G>T (p.Gly479Cys)

Gene: MUTYH (mutY DNA glycosylase; minus strand). Cytogenetic location: 1p34.1.
Variant type: single nucleotide variant.
Coding change: c.1435G>T on transcript NM_001048174.2 (MANE Select); coding-DNA position 1435, G replaced by T.
Protein change: p.Gly479Cys; replaces glycine 479 with cysteine.
Molecular consequence: missense variant. On other transcripts: non-coding transcript variant (7).
Genome position (GRCh38, 1-based): chr1:45,329,437, C>A on the plus strand (G>T on the coding strand, the complement: MUTYH is on the minus strand). VCF-style: chr1-45329437-C-A. GRCh37 (hg19) VCF-style: chr1-45795109-C-A.
Other names: c.1435G>T, p.Gly479Cys (NM_001048171.2, NM_001048173.2, NM_001293195.2 and 6 more transcripts); c.1438G>T, p.Gly480Cys (NM_001048172.2, NM_001407078.1, NM_001407086.1 and 1 more transcripts); c.1519G>T, p.Gly507Cys (NM_001128425.2); c.1480G>T, p.Gly494Cys (NM_001293190.2); c.1468G>T, p.Gly490Cys (NM_001293191.2, NM_001407069.1, NM_001407077.1); c.1159G>T, p.Gly387Cys (NM_001293192.2, NM_001407091.1, NM_001293196.2); c.1396G>T, p.Gly466Cys (NM_001407079.1); c.1393G>T, p.Gly465Cys (NM_001407080.1); and 5 more; short protein forms G387C, G486C, G493C, G504C, G507C, G364C, G465C, G466C.
Identifiers: ClinVar variation 4113315 (VCV004113315.1).